The following is an entry in ClinVar:

NM_053025.4(MYLK):c.4534A>G (p.Ile1512Val)

Gene: MYLK (myosin light chain kinase; minus strand). Cytogenetic location: 3q21.1.
Variant type: single nucleotide variant.
Coding change: c.4534A>G on transcript NM_053025.4 (MANE Select); coding-DNA position 4534, A replaced by G.
Protein change: p.Ile1512Val; replaces isoleucine 1512 with valine.
Molecular consequence: missense variant.
Genome position (GRCh38, 1-based): chr3:123,647,309, T>C on the plus strand (A>G on the coding strand, the complement: MYLK is on the minus strand). VCF-style: chr3-123647309-T-C. GRCh37 (hg19) VCF-style: chr3-123366156-T-C.
Other names: c.4006A>G, p.Ile1336Val (NM_001321309.2); c.4327A>G, p.Ile1443Val (NM_053026.4, NM_053028.4); c.4534A>G, p.Ile1512Val (NM_053027.4); c.4534A>G (NM_053025.3); short protein forms I1336V, I1512V, I1443V.
Identifiers: ClinVar variation 1358292 (VCV001358292.7), dbSNP rs756490769, ClinGen allele CA071805.

ClinVar aggregate classification (germline): Uncertain significance. Review status: criteria provided, multiple submitters, no conflicts (2 of 4 stars). 2 submissions from 2 submitters: Uncertain significance (2). Last evaluated 2024-02-17.

Conditions:
Aortic aneurysm, familial thoracic 7 (AAT7). Also called: AORTIC DISSECTION, FAMILIAL, WITH OR WITHOUT AORTIC ANEURYSM. Identifiers: MedGen C3151077, MONDO:0013418, OMIM 613780.
Familial thoracic aortic aneurysm and aortic dissection (TAAD). Also called: Thoracic aortic aneurysms and dissections. Identifiers: Orphanet 91387, MedGen C4707243, MONDO:0019625.

Allele frequency attached by ClinVar (database versions not stated): gnomAD exomes below 0.00001 and 0.00001; gnomAD 0.00001; TOPMed 0.00001; ExAC 0.00002.

Submissions (2):

Ambry Genetics
Classification: Uncertain significance for Familial thoracic aortic aneurysm and aortic dissection. Last evaluated: 2024-02-17. Review status: criteria provided, single submitter. Criteria: Ambry Variant Classification Scheme 2023. Collection method: clinical testing. Allele origin: germline.
Comment: The p.I1512V variant (also known as c.4534A>G), located in coding exon 24 of the MYLK gene, results from an A to G substitution at nucleotide position 4534. The isoleucine at codon 1512 is replaced by valine, an amino acid with highly similar properties. This amino acid position is conserved. In addition, this alteration is predicted to be tolerated by in silico analysis. Based on the available evidence, the clinical significance of this alteration remains unclear.

Labcorp Genetics (formerly Invitae), Labcorp
Classification: Uncertain significance for Aortic aneurysm, familial thoracic 7. Last evaluated: 2021-12-27. Review status: criteria provided, single submitter. Criteria: Invitae Variant Classification Sherloc (09022015). Collection method: clinical testing. Allele origin: germline.
Comment: In summary, the available evidence is currently insufficient to determine the role of this variant in disease. Therefore, it has been classified as a Variant of Uncertain Significance. Advanced modeling of protein sequence and biophysical properties (such as structural, functional, and spatial information, amino acid conservation, physicochemical variation, residue mobility, and thermodynamic stability) performed at Invitae indicates that this missense variant is not expected to disrupt MYLK protein function. This variant has not been reported in the literature in individuals affected with MYLK-related conditions. This variant is present in population databases (rs756490769, gnomAD 0.006%). This sequence change replaces isoleucine, which is neutral and non-polar, with valine, which is neutral and non-polar, at codon 1512 of the MYLK protein (p.Ile1512Val).